The following is an entry in ClinVar:

ClinVar aggregate classification (germline): Uncertain significance (1 of 4 stars; one submission).

gnomAD v4.1: 5 of 1,591,312 alleles (0.00031%); highest among the groups gnomAD compares: South Asian, 0.0034%; no homozygotes.

Submission:

Ambry Genetics
Classification: Uncertain significance. Last evaluated: 2025-11-13. Review status: criteria provided, single submitter. Criteria: Ambry Variant Classification Scheme 2023. Collection method: clinical testing. Allele origin: germline.
Comment: The p.V151L variant (also known as c.451G>T), located in coding exon 1 of the WNK2 gene, results from a G to T substitution at nucleotide position 451. The valine at codon 151 is replaced by leucine, an amino acid with highly similar properties. This amino acid position is conserved. In addition, this alteration is predicted to be tolerated by in silico analysis. Based on the available evidence, the clinical significance of this variant remains unclear.

NM_006648.4(WNK2):c.451G>T (p.Val151Leu)

Gene: WNK2 (WNK lysine deficient protein kinase 2; plus strand). Cytogenetic location: 9q22.31.
Variant type: single nucleotide variant.
Coding change: c.451G>T on transcript NM_006648.4 (MANE Select); coding-DNA position 451, G replaced by T.
Protein change: p.Val151Leu; replaces valine 151 with leucine.
Molecular consequence: missense variant.
Genome position (GRCh38, 1-based): chr9:93,185,380, G>T. VCF-style: chr9-93185380-G-T. GRCh37 (hg19) VCF-style: chr9-95947662-G-T.
Other names: c.451G>T, p.Val151Leu (NM_001282394.3); short protein forms V151L.
Identifiers: ClinVar variation 4605363 (VCV004605363.1).